The following is an entry in ClinVar:

NM_015932.6(POMP):c.163-5del

Gene: POMP (proteasome maturation protein; plus strand). Cytogenetic location: 13q12.3.
Variant type: Deletion.
Coding change: c.163-5del on transcript NM_015932.6 (MANE Select); 5 bases into the intron before coding-DNA position 163, one base deleted (T; older notation c.163-5delT).
Molecular consequence: intron variant.
Genome position (GRCh38, 1-based): chr13:28,668,468, T deleted; the last of 4 consecutive T bases (chr13:28,668,465-28,668,468); deleting any one gives the same sequence. VCF-style (leftmost placement, unchanged base first): chr13-28668464-CT-C. GRCh37 (hg19) VCF-style: chr13-29242601-CT-C.
Identifiers: ClinVar variation 1343678 (VCV001343678.1), dbSNP rs2137795105, ClinGen allele CA2573053797.

ClinVar aggregate classification (germline): Uncertain significance (1 of 4 stars; one submission).

Submission:

Women's Health and Genetics/Laboratory Corporation of America, LabCorp
Classification: Uncertain significance. Last evaluated: 2022-02-15. Review status: criteria provided, single submitter. Criteria: LabCorp Variant Classification Summary - May 2015. Collection method: clinical testing. Allele origin: germline.
Comment: Variant summary: POMP c.163-5delT alters a nucleotide located close to a canonical splice site and therefore could affect mRNA splicing, leading to a significantly altered protein sequence. 2/4 computational tools predict no significant impact on normal splicing. However, these predictions have yet to be confirmed by functional studies. The variant was absent in 250970 control chromosomes (gnomAD). The available data on variant occurrences in the general population are insufficient to allow any conclusion about variant significance. To our knowledge, no occurrence of c.163-5delT in individuals affected with Proteasome-Associated Autoinflammatory Syndrome 2 and no experimental evidence demonstrating its impact on protein function have been reported. No clinical diagnostic laboratories have submitted clinical-significance assessments for this variant to ClinVar after 2014. Based on the evidence outlined above, the variant was classified as uncertain significance.